The following is an entry in ClinVar:

ClinVar aggregate classification (germline): Uncertain significance (1 of 4 stars; one submission).

Submission:

CeGaT Center for Human Genetics Tuebingen
Classification: Uncertain significance. Last evaluated: 2022-07-01. Review status: criteria provided, single submitter. Criteria: CeGaT Center For Human Genetics Tuebingen Variant Classification Criteria Version 2. Collection method: clinical testing. Allele origin: germline. Affected: yes. Observed: 1 variant allele.
Comment: TBX1: PM2, PP3

NM_001379200.1(TBX1):c.1453G>C (p.Ala485Pro)

Gene: TBX1 (T-box transcription factor 1; plus strand). Cytogenetic location: 22q11.21.
Variant type: single nucleotide variant.
Coding change: c.1453G>C on transcript NM_001379200.1 (MANE Select); coding-DNA position 1453, G replaced by C.
Protein change: p.Ala485Pro; replaces alanine 485 with proline.
Molecular consequence: missense variant. On other transcripts: intron variant (2).
Genome position (GRCh38, 1-based): chr22:19,766,805, G>C. VCF-style: chr22-19766805-G-C. GRCh37 (hg19) VCF-style: chr22-19754328-G-C.
Other names: c.1426G>C, p.Ala476Pro (NM_080647.1); c.1009+803G>C (NM_005992.1, NM_080646.2); short protein forms A476P, A485P.
Identifiers: ClinVar variation 2652870 (VCV002652870.24), dbSNP rs2145839630, ClinGen allele CA410685583.
Genomic context (GRCh38, chr22:19,766,805, plus strand): 5'-CACCACCCCGTGAGTCCAGCCGCCGCGGCCGCCGCCGCCGCTGCCGCAGCTGCCGCGGCC[G>C]CCAACATGTACTCGTCGGCCGGAGCCGCGCCGCCCGGCTCCTACGACTATTGCCCCAGAT-3'
Protein context (NP_001366129.1, residues 475-495): AAAAAAAAAA[Ala485Pro]NMYSSAGAAP